The following is an entry in ClinVar:

NM_001690.4(ATP6V1A):c.1394A>G (p.Tyr465Cys)

Gene: ATP6V1A (ATPase H+ transporting V1 subunit A; plus strand). Cytogenetic location: 3q13.31.
Variant type: single nucleotide variant.
Coding change: c.1394A>G on transcript NM_001690.4 (MANE Select); coding-DNA position 1394, A replaced by G.
Protein change: p.Tyr465Cys; replaces tyrosine 465 with cysteine.
Molecular consequence: missense variant.
Genome position (GRCh38, 1-based): chr3:113,798,346, A>G. VCF-style: chr3-113798346-A-G. GRCh37 (hg19) VCF-style: chr3-113517193-A-G.
Other names: short protein forms Y465C.
Identifiers: ClinVar variation 3329509 (VCV003329509.3).

ClinVar aggregate classification (germline): Uncertain significance. Review status: criteria provided, multiple submitters, no conflicts (2 of 4 stars). 2 submissions from 2 submitters: Uncertain significance (2). Last evaluated 2025-05-21.

Conditions:
Inborn genetic diseases. Identifiers: MedGen C0950123, MeSH D030342.

gnomAD v4.1: 77 of 1,613,882 alleles (0.0048%); highest among the groups gnomAD compares: South Asian, 0.053%; no homozygotes.

Submissions (2):

Labcorp Genetics (formerly Invitae), Labcorp
Classification: Uncertain significance. Last evaluated: 2025-05-21. Review status: criteria provided, single submitter. Criteria: Invitae Variant Classification Sherloc (09022015). Collection method: clinical testing. Allele origin: germline.
Comment: This sequence change replaces tyrosine, which is neutral and polar, with cysteine, which is neutral and slightly polar, at codon 465 of the ATP6V1A protein (p.Tyr465Cys). This variant is present in population databases (rs147537996, gnomAD 0.05%). This variant has not been reported in the literature in individuals affected with ATP6V1A-related conditions. ClinVar contains an entry for this variant (Variation ID: 3329509). Invitae Evidence Modeling of protein sequence and biophysical properties (such as structural, functional, and spatial information, amino acid conservation, physicochemical variation, residue mobility, and thermodynamic stability) indicates that this missense variant is expected to disrupt ATP6V1A protein function with a positive predictive value of 80%. In summary, the available evidence is currently insufficient to determine the role of this variant in disease. Therefore, it has been classified as a Variant of Uncertain Significance.

Ambry Genetics
Classification: Uncertain significance for Inborn genetic diseases. Last evaluated: 2024-03-18. Review status: criteria provided, single submitter. Criteria: Ambry Variant Classification Scheme 2023. Collection method: clinical testing. Allele origin: germline.